The following is an entry in ClinVar:

NM_006231.4(POLE):c.927C>A (p.Asn309Lys)

Gene: POLE (DNA polymerase epsilon, catalytic subunit; minus strand). Cytogenetic location: 12q24.33.
Variant type: single nucleotide variant.
Coding change: c.927C>A on transcript NM_006231.4 (MANE Select); coding-DNA position 927, C replaced by A.
Protein change: p.Asn309Lys; replaces asparagine 309 with lysine.
Molecular consequence: missense variant.
Genome position (GRCh38, 1-based): chr12:132,676,187, G>T on the plus strand (C>A on the coding strand, the complement: POLE is on the minus strand). VCF-style: chr12-132676187-G-T. GRCh37 (hg19) VCF-style: chr12-133252773-G-T.
Other names: short protein forms N309K.
Identifiers: ClinVar variation 1508499 (VCV001508499.10), dbSNP rs1031604182, ClinGen allele CA387363923.

ClinVar aggregate classification (germline): Uncertain significance. Review status: criteria provided, multiple submitters, no conflicts (2 of 4 stars). 2 submissions from 2 submitters: Uncertain significance (2). Last evaluated 2020-12-15.

Conditions:
Hereditary cancer-predisposing syndrome. Also called: Hereditary neoplastic syndrome; Neoplastic Syndromes, Hereditary; Tumor predisposition; Hereditary Cancer Syndrome. Identifiers: Orphanet 140162, MedGen C0027672, MeSH D009386, MONDO:0015356.

Allele frequency attached by ClinVar (database versions not stated): gnomAD exomes below 0.00001.
gnomAD v4.1: 2 of 1,613,036 alleles (0.00012%); highest among the groups gnomAD compares: Non-Finnish European, 0.00017%; no homozygotes.

Submissions (2):

Labcorp Genetics (formerly Invitae), Labcorp
Classification: Uncertain significance. Last evaluated: 2020-12-15. Review status: criteria provided, single submitter. Criteria: Invitae Variant Classification Sherloc (09022015). Collection method: clinical testing. Allele origin: germline.
Comment: In summary, the available evidence is currently insufficient to determine the role of this variant in disease. Therefore, it has been classified as a Variant of Uncertain Significance. This sequence change replaces asparagine with lysine at codon 309 of the POLE protein (p.Asn309Lys). The asparagine residue is highly conserved and there is a moderate physicochemical difference between asparagine and lysine. This variant is not present in population databases (ExAC no frequency). This variant has not been reported in the literature in individuals with POLE-related conditions. Algorithms developed to predict the effect of missense changes on protein structure and function (SIFT, PolyPhen-2, Align-GVGD) all suggest that this variant is likely to be disruptive, but these predictions have not been confirmed by published functional studies and their clinical significance is uncertain.

Ambry Genetics
Classification: Uncertain significance for Hereditary cancer-predisposing syndrome. Last evaluated: 2020-09-30. Review status: criteria provided, single submitter. Criteria: Ambry Variant Classification Scheme 2023. Collection method: clinical testing. Allele origin: germline.
Comment: The p.N309K variant (also known as c.927C>A), located in coding exon 10 of the POLE gene, results from a C to A substitution at nucleotide position 927. The asparagine at codon 309 is replaced by lysine, an amino acid with similar properties. This amino acid position is highly conserved in available vertebrate species. In addition, this alteration is predicted to be tolerated by in silico analysis. Since supporting evidence is limited at this time, the clinical significance of this alteration remains unclear.